The following is an entry in ClinVar:

GRCh38/hg38 16p13.11(chr16:15356433-16444739)x1

Genes: ABCC1 (ATP binding cassette subfamily C member 1 (ABCC1 blood group); plus strand), ABCC6 (ATP binding cassette subfamily C member 6; minus strand), BMERB1 (bMERB domain containing 1; plus strand), CEP20 (centrosomal protein 20; minus strand), MARF1 (meiosis regulator and mRNA stability factor 1; minus strand) and 32 more. Cytogenetic location: 16p13.11.
Variant type: copy number loss.
Change: copy number 1 (one copy instead of two) of chr16:15,356,433-16,444,739 (1.09 Mb, GRCh38 coordinates, 1-based), cytogenetic band 16p13.11.
Identifiers: ClinVar variation 4796109 (VCV004796109.1).

ClinVar aggregate classification (germline): Uncertain significance (1 of 4 stars; one submission).

Submission:

Medical Genetic Center, Changzhi Maternal and Child Health Care Hospital
Classification: Uncertain significance. Last evaluated: 2025-12-10. Review status: criteria provided, single submitter. Criteria: ACMG/ClinGen CNV Guidelines, 2019. Collection method: clinical testing. Allele origin: unknown.
Comment: 16p13.11 recurrent region (BP2-BP3) (includes MYH11) (HI=2)